The following is an entry in ClinVar:

ClinVar aggregate classification (germline): Uncertain significance (1 of 4 stars; one submission).

Conditions:
Saldino-Mainzer syndrome (SRTD9). Also called: CONORENAL SYNDROME; Renal dysplasia, retinal pigmentary dystrophy, cerebellar ataxia and skeletal dysplasia; short-rib thoracic dysplasia 9 with or without polydactyly; SHORT-RIB THORACIC DYSPLASIA 9 WITHOUT POLYDACTYLY. Identifiers: Orphanet 140969, MedGen C1849437, MONDO:0009964, OMIM 266920.

Submission:

Labcorp Genetics (formerly Invitae), Labcorp
Classification: Uncertain significance for Saldino-Mainzer syndrome. Last evaluated: 2022-11-15. Review status: criteria provided, single submitter. Criteria: Invitae Variant Classification Sherloc (09022015). Collection method: clinical testing. Allele origin: germline.
Comment: In summary, the available evidence is currently insufficient to determine the role of this variant in disease. Therefore, it has been classified as a Variant of Uncertain Significance. This variant is not present in population databases (gnomAD no frequency). This variant has not been reported in the literature in individuals affected with IFT140-related conditions. This sequence change replaces threonine, which is neutral and polar, with asparagine, which is neutral and polar, at codon 38 of the IFT140 protein (p.Thr38Asn). ClinVar contains an entry for this variant (Variation ID: 1046289). Advanced modeling of protein sequence and biophysical properties (such as structural, functional, and spatial information, amino acid conservation, physicochemical variation, residue mobility, and thermodynamic stability) performed at Invitae indicates that this missense variant is not expected to disrupt IFT140 protein function.

NM_014714.4(IFT140):c.113C>A (p.Thr38Asn)

Genes: IFT140 (intraflagellar transport 140; minus strand), LOC105371046 (uncharacterized LOC105371046; plus strand). Cytogenetic location: 16p13.3.
Variant type: single nucleotide variant.
Coding change: c.113C>A on transcript NM_014714.4 (MANE Select); coding-DNA position 113, C replaced by A.
Protein change: p.Thr38Asn; replaces threonine 38 with asparagine.
Molecular consequence: missense variant.
Genome position (GRCh38, 1-based): chr16:1,607,154, G>T on the plus strand (C>A on the coding strand, the complement: IFT140 is on the minus strand). VCF-style: chr16-1607154-G-T. GRCh37 (hg19) VCF-style: chr16-1657155-G-T.
Other names: short protein forms T38N.
Identifiers: ClinVar variation 1046289 (VCV001046289.8), dbSNP rs747462746, ClinGen allele CA394194575.